The following is an entry in ClinVar:

ClinVar aggregate classification (germline): Uncertain significance (1 of 4 stars; one submission).

Conditions:
Hereditary cancer-predisposing syndrome. Also called: Tumor predisposition; Neoplastic Syndromes, Hereditary; Hereditary Cancer Syndrome; Hereditary neoplastic syndrome. Identifiers: Orphanet 140162, MedGen C0027672, MeSH D009386, MONDO:0015356.

Submission:

Ambry Genetics
Classification: Uncertain significance for Hereditary cancer-predisposing syndrome. Last evaluated: 2024-09-11. Review status: criteria provided, single submitter. Criteria: Ambry Variant Classification Scheme 2023. Collection method: clinical testing. Allele origin: germline.
Comment: The c.1988_2012del25insC variant (also known as p.Y663_D671delinsS), located in coding exon 13 of the CDH1 gene, results from an in-frame deletion of 25 nucleotides and insertion of C at nucleotide positions 1988 to 2012. This results in the substitution of nine amino acid residues for a serine residue at codon 663 and 671. This amino acid region is not well conserved in available vertebrate species. In addition, this alteration is predicted to be deleterious by in silico analysis (Choi Y et al. PLoS ONE. 2012; 7(10):e46688). Based on the available evidence, the clinical significance of this variant remains unclear.

NM_004360.5(CDH1):c.1988_2012delinsC (p.Tyr663_Asp671delinsSer)

Gene: CDH1 (cadherin 1; plus strand). Cytogenetic location: 16q22.1.
Variant type: Indel.
Coding change: c.1988_2012delinsC on transcript NM_004360.5 (MANE Select); coding-DNA positions 1988 to 2012, ACAAAATCAATCTCAAGCTCATGGA replaced by C.
Protein change: p.Tyr663_Asp671delinsSer.
Molecular consequence: inframe indel.
Genome position (GRCh38, 1-based): chr16:68,823,450-68,823,474, ACAAAATCAATCTCAAGCTCATGGA replaced by C. VCF-style: chr16-68823450-ACAAAATCAATCTCAAGCTCATGGA-C. GRCh37 (hg19) VCF-style: chr16-68857353-ACAAAATCAATCTCAAGCTCATGGA-C.
Other names: c.1805_1829delinsC, p.Tyr602_Asp610delinsSer (NM_001317184.2); c.440_464delinsC, p.Tyr147_Asp155delinsSer (NM_001317185.2); c.23_47delinsC, p.Tyr8_Asp16delinsSer (NM_001317186.2).
Identifiers: ClinVar variation 3488648 (VCV003488648.1).
Genomic context (GRCh38, chr16:68,823,450, plus strand): 5'-TTTCTCCAGCCCAAGAATCTATCATTTTGAAGCCAAAGATGGCCTTAGAGGTGGGTGACT[ACAAAATCAATCTCAAGCTCATGGA>C]TAACCAGAATAAAGACCAAGTGACCACCTTAGAGGTCAGCGTGTGTGACTGTGAAGGGGC-3'